The following is an entry in ClinVar:

NC_012920.1(MT-RNR1):m.1291T>C

Gene: MT-RNR1 (mitochondrially encoded 12S RNA; plus strand).
Variant type: single nucleotide variant.
Genome position: chrM-1291-T-C.
Other names: 1291T-C.
Identifiers: ClinVar variation 9630 (VCV000009630.3), dbSNP rs267606620, ClinGen allele CA254846.

ClinVar aggregate classification (germline): Likely benign. Review status: criteria provided, single submitter (1 of 4 stars). 2 submissions from 2 submitters: Likely benign (1). 1 of the submissions does not count toward it. Last evaluated 2015-08-12.

Conditions:
Mitochondrial non-syndromic sensorineural hearing loss. Also called: Nonsyndromic Hearing Loss and Deafness, Mitochondrial. Identifiers: Orphanet 90641, MedGen C3151897, MONDO:0010779, OMIM 500008.

Submissions (2):

Center for Pediatric Genomic Medicine, Children's Mercy Hospital and Clinics
Classification: Likely benign. Last evaluated: 2015-08-12. Review status: criteria provided, single submitter. Criteria: ACMG Guidelines, 2015. Collection method: clinical testing. Allele origin: germline.
ClinVar note: Converted during submission from Likely Benign to Likely benign.

OMIM
Classification: Pathogenic for DEAFNESS, NONSYNDROMIC SENSORINEURAL, MITOCHONDRIAL. Last evaluated: 2006-03-24. Review status: no assertion criteria provided. Collection method: literature only. Allele origin: germline. Not counted in ClinVar's aggregate classification.

Literature cited by the submitters: PubMed 16458854 (cited by OMIM).